The following is an entry in ClinVar:

NM_012186.3(FOXE3):c.3G>T (p.Met1Ile)

Genes: FOXE3 (forkhead box E3; plus strand), LINC01389 (long intergenic non-protein coding RNA 1389; minus strand). Cytogenetic location: 1p33.
Variant type: single nucleotide variant.
Coding change: c.3G>T on transcript NM_012186.3 (MANE Select); coding-DNA position 3, G replaced by T.
Protein change: p.Met1Ile; changes the start codon (methionine 1).
Molecular consequence: missense variant, initiator codon variant.
Genome position (GRCh38, 1-based): chr1:47,416,318, G>T. VCF-style: chr1-47416318-G-T. GRCh37 (hg19) VCF-style: chr1-47881990-G-T.
Other names: short protein forms M1I.
Identifiers: ClinVar variation 2448356 (VCV002448356.3), dbSNP rs1275380745, ClinGen allele CA340248830.

ClinVar aggregate classification (germline): Uncertain significance (1 of 4 stars; one submission).

Conditions:
Cardiovascular phenotype. Identifiers: MedGen CN230736.

Submission:

Ambry Genetics
Classification: Uncertain significance for Cardiovascular phenotype. Last evaluated: 2022-11-08. Review status: criteria provided, single submitter. Criteria: Ambry Variant Classification Scheme 2023. Collection method: clinical testing. Allele origin: germline.
Comment: The p.M1? variant (also known as c.3G>T) is located in coding exon 1 of the FOXE3 gene and results from a G to T substitution at nucleotide position 3. Variations that modify the initiation codon (ATG) are expected to result in either loss of translation initiation, N-terminal truncation, or cause a shift in the mRNA reading frame; however, there is an in-frame methionine 6 amino acids from the initiation site, which may result in N-terminal truncation of unknown functional significance. Since supporting evidence is limited at this time, the clinical significance of this alteration remains unclear.